The following is an entry in ClinVar:

ClinVar aggregate classification (germline): Uncertain significance (1 of 4 stars; one submission).

Conditions:
Ataxia-telangiectasia syndrome (AT). Also called: Cerebello-oculocutaneous telangiectasia; Immunodeficiency with ataxia telangiectasia; AT, COMPLEMENTATION GROUP C; ATAXIA-TELANGIECTASIA, FRESNO VARIANT; ATAXIA-TELANGIECTASIA, COMPLEMENTATION GROUP A; Ataxia-telangiectasia. Identifiers: Orphanet 100, MedGen C0004135, MONDO:0008840, OMIM 208900.

Submission:

Labcorp Genetics (formerly Invitae), Labcorp
Classification: Uncertain significance for Ataxia-telangiectasia syndrome. Last evaluated: 2023-09-27. Review status: criteria provided, single submitter. Criteria: Invitae Variant Classification Sherloc (09022015). Collection method: clinical testing. Allele origin: germline.
Comment: In summary, the available evidence is currently insufficient to determine the role of this variant in disease. Therefore, it has been classified as a Variant of Uncertain Significance. An algorithm developed to predict the effect of missense changes on protein structure and function (PolyPhen-2) suggests that this variant is likely to be tolerated. This variant has not been reported in the literature in individuals affected with ATM-related conditions. This variant is not present in population databases (gnomAD no frequency). This sequence change replaces isoleucine, which is neutral and non-polar, with valine, which is neutral and non-polar, at codon 923 of the ATM protein (p.Ile923Val).

NM_000051.4(ATM):c.2767A>G (p.Ile923Val)

Gene: ATM (ATM serine/threonine kinase; plus strand). Cytogenetic location: 11q22.3.
Variant type: single nucleotide variant.
Coding change: c.2767A>G on transcript NM_000051.4 (MANE Select); coding-DNA position 2767, A replaced by G.
Protein change: p.Ile923Val; replaces isoleucine 923 with valine.
Molecular consequence: missense variant.
Genome position (GRCh38, 1-based): chr11:108,268,538, A>G. VCF-style: chr11-108268538-A-G. GRCh37 (hg19) VCF-style: chr11-108139265-A-G.
Other names: c.2767A>G, p.Ile923Val (NM_001351834.2); short protein forms I923V.
Identifiers: ClinVar variation 2898005 (VCV002898005.3), dbSNP rs2135525813, ClinGen allele CA382545502.